The following is an entry in ClinVar:

ClinVar aggregate classification (germline): Likely benign. Review status: criteria provided, multiple submitters, no conflicts (2 of 4 stars). 3 submissions from 3 submitters: Likely benign (3). Last evaluated 2025-05-22.

Conditions:
Long QT syndrome (LQTS). Identifiers: MedGen C0023976, MeSH D008133, MONDO:0002442. Disease mechanism: loss of function. Inheritance: Various modes of inheritance.
Cardiovascular phenotype. Identifiers: MedGen CN230736.

Allele frequency attached by ClinVar (database versions not stated): gnomAD exomes 0.00001; TOPMed 0.00001.
gnomAD v4.1: 20 of 1,613,812 alleles (0.0012%); highest among the groups gnomAD compares: Non-Finnish European, 0.0017%; no homozygotes.

Submissions (3):

Labcorp Genetics (formerly Invitae), Labcorp
Classification: Likely benign for Long QT syndrome. Last evaluated: 2025-05-22. Review status: criteria provided, single submitter. Criteria: Invitae Variant Classification Sherloc (09022015). Collection method: clinical testing. Allele origin: germline.

Ambry Genetics
Classification: Likely benign for Cardiovascular phenotype. Last evaluated: 2024-03-13. Review status: criteria provided, single submitter. Criteria: Ambry Variant Classification Scheme 2023. Collection method: clinical testing. Allele origin: germline.

GeneDx
Classification: Likely benign. Last evaluated: 2016-08-17. Review status: criteria provided, single submitter. Criteria: GeneDx Variant Classification (06012015). Collection method: clinical testing. Allele origin: germline. Affected: yes.
Comment: This variant is considered likely benign or benign based on one or more of the following criteria: it is a conservative change, it occurs at a poorly conserved position in the protein, it is predicted to be benign by multiple in silico algorithms, and/or has population frequency not consistent with disease.

NM_000719.7(CACNA1C):c.1800C>T (p.Ile600=)

Gene: CACNA1C (calcium voltage-gated channel subunit alpha1 C; plus strand). Cytogenetic location: 12p13.33.
Variant type: single nucleotide variant.
Coding change: c.1800C>T on transcript NM_000719.7 (MANE Select); coding-DNA position 1800, C replaced by T.
Protein change: p.Ile600=; no amino-acid change (isoleucine 600 retained).
Molecular consequence: synonymous variant.
Genome position (GRCh38, 1-based): chr12:2,567,699, C>T. VCF-style: chr12-2567699-C-T. GRCh37 (hg19) VCF-style: chr12-2676865-C-T.
Other names: c.1800C>T, p.Ile600= (NM_001129827.2, NM_001129829.2, NM_001129830.3 and 18 more transcripts); c.1791C>T, p.Ile597= (NM_001129844.2).
Identifiers: ClinVar variation 388738 (VCV000388738.11), dbSNP rs1057523219, ClinGen allele CA16607231.